The following is an entry in ClinVar:

NC_000009.12:g.35658019_35658041dup

Gene: RMRP (RNA component of mitochondrial RNA processing endoribonuclease; minus strand). Cytogenetic location: 9p13.3.
Variant type: Duplication.
Genome position: GRCh38 VCF-style: chr9-35658018-C-CACGTCCTCAGCTTCACAGAGTAG. GRCh37 (hg19) VCF-style: chr9-35658015-C-CACGTCCTCAGCTTCACAGAGTAG.
Identifiers: ClinVar variation 1066356 (VCV001066356.9), dbSNP rs2131809458, ClinGen allele CA2499219886.

ClinVar aggregate classification (germline): Likely pathogenic (1 of 4 stars; one submission).

Conditions:
Anauxetic dysplasia. Identifiers: Orphanet 93347, MedGen C1846796, MONDO:0011773.

Submission:

Labcorp Genetics (formerly Invitae), Labcorp
Classification: Likely pathogenic for Anauxetic dysplasia. Last evaluated: 2020-05-06. Review status: criteria provided, single submitter. Criteria: Invitae Variant Classification Sherloc (09022015). Collection method: clinical testing. Allele origin: germline.
Comment: This sequence change occurs in the RMRP gene, which encodes the RNA component of the RNase mitochondrial RNA processing (MRP) complex and does not result in a protein product. The frequency data for this variant in the population databases is considered unreliable, as metrics indicate insufficient coverage at this position in the ExAC database. While this particular variant has not been reported in the literature, it is located in the promoter region between the TATA box and the transcription initiation site, and other similar insertions and duplications immediately upstream of the coding sequence have been reported in individuals affected with cartilage-hair hypoplasia (PMID: 11207361, 16838329, 17189938, 21570718). While functional studies for this variant have not been reported, experimental analyses using patient derived cells, as well as in vitro transfection studies, have shown that promoter insertions result in silencing of RMRP transcription and reduced expression of the gene product (PMID: 11207361, 16254002). In summary, the currently available evidence indicates that the variant is pathogenic, but additional data are needed to prove that conclusively. Therefore, this variant has been classified as Likely Pathogenic.

Literature cited by the submitters: PubMed 11207361; PubMed 16838329; PubMed 17189938; PubMed 21570718; PubMed 16254002.